The following is an entry in ClinVar:

ClinVar aggregate classification (germline): Uncertain significance (1 of 4 stars; one submission).

gnomAD v4.1: 4 of 1,613,604 alleles (0.00025%); highest among the groups gnomAD compares: Admixed American, 0.0067%; no homozygotes.

Submission:

GeneDx
Classification: Uncertain significance. Last evaluated: 2025-06-02. Review status: criteria provided, single submitter. Criteria: GeneDx Variant Classification Process June 2021. Collection method: clinical testing. Allele origin: germline. Affected: yes.
Comment: In silico analysis supports that this missense variant has a deleterious effect on protein structure/function; Has not been previously published as pathogenic or benign to our knowledge

NM_025099.6(CTC1):c.1121A>G (p.Glu374Gly)

Gene: CTC1 (CST telomere replication complex component 1; minus strand). Cytogenetic location: 17p13.1.
Variant type: single nucleotide variant.
Coding change: c.1121A>G on transcript NM_025099.6 (MANE Select); coding-DNA position 1121, A replaced by G.
Protein change: p.Glu374Gly; replaces glutamic acid 374 with glycine.
Molecular consequence: missense variant. On other transcripts: non-coding transcript variant (1).
Genome position (GRCh38, 1-based): chr17:8,235,916, T>C on the plus strand (A>G on the coding strand, the complement: CTC1 is on the minus strand). VCF-style: chr17-8235916-T-C. GRCh37 (hg19) VCF-style: chr17-8139234-T-C.
Other names: c.1121A>G, p.Glu374Gly (NM_001411067.1); short protein forms E374G.
Identifiers: ClinVar variation 4536459 (VCV004536459.1).